The following is an entry in ClinVar:

ClinVar aggregate classification (germline): Pathogenic. Review status: criteria provided, multiple submitters, no conflicts (2 of 4 stars). 3 submissions from 3 submitters: Pathogenic (3). Last evaluated 2025-11-14.

Conditions:
Hereditary cancer-predisposing syndrome. Also called: Neoplastic Syndromes, Hereditary; Hereditary Cancer Syndrome; Hereditary neoplastic syndrome; Tumor predisposition. Identifiers: Orphanet 140162, MedGen C0027672, MeSH D009386, MONDO:0015356.
Familial cancer of breast. Also called: Hereditary breast cancer; hereditary breast carcinoma; BREAST CANCER, FAMILIAL. Identifiers: Orphanet 227535, MedGen C0346153, MONDO:0016419, OMIM 114480. Disease mechanism: loss of function.
Ataxia-telangiectasia syndrome (AT). Also called: Cerebello-oculocutaneous telangiectasia; Immunodeficiency with ataxia telangiectasia; Ataxia-telangiectasia, complementation group D; AT, COMPLEMENTATION GROUP C; ATAXIA-TELANGIECTASIA, FRESNO VARIANT; ATAXIA-TELANGIECTASIA, COMPLEMENTATION GROUP A. Identifiers: Orphanet 100, MedGen C0004135, MONDO:0008840, OMIM 208900.

Submissions (3):

Labcorp Genetics (formerly Invitae), Labcorp
Classification: Pathogenic for Ataxia-telangiectasia syndrome. Last evaluated: 2025-11-14. Review status: criteria provided, single submitter. Criteria: Invitae Variant Classification Sherloc (09022015). Collection method: clinical testing. Allele origin: germline.
Comment: This sequence change creates a premature translational stop signal (p.Lys971Thrfs*11) in the ATM gene. It is expected to result in an absent or disrupted protein product. Loss-of-function variants in ATM are known to be pathogenic (PMID: 23807571, 25614872). This variant is not present in population databases (gnomAD no frequency). This variant has not been reported in the literature in individuals affected with ATM-related conditions. ClinVar contains an entry for this variant (Variation ID: 141321). For these reasons, this variant has been classified as Pathogenic.

Myriad Genetics, Inc.
Classification: Pathogenic for Familial cancer of breast. Last evaluated: 2024-01-18. Review status: criteria provided, single submitter. Criteria: Myriad Autosomal Dominant, Autosomal Recessive and X-Linked Classification Criteria (2023). Collection method: clinical testing. Allele origin: unknown.
Comment: This variant is considered pathogenic. This variant creates a frameshift predicted to result in premature protein truncation.

Ambry Genetics
Classification: Pathogenic for Hereditary cancer-predisposing syndrome. Last evaluated: 2022-03-24. Review status: criteria provided, single submitter. Criteria: Ambry Variant Classification Scheme 2023. Collection method: clinical testing. Allele origin: germline.
Comment: The c.2912_2916delAACCA pathogenic mutation, located in coding exon 18 of the ATM gene, results from a deletion of 5 nucleotides at nucleotide positions 2912 to 2916, causing a translational frameshift with a predicted alternate stop codon (p.K971Tfs*11). This variant is considered to be rare based on population cohorts in the Genome Aggregation Database (gnomAD). This alteration is expected to result in loss of function by premature protein truncation or nonsense-mediated mRNA decay. As such, this alteration is interpreted as a disease-causing mutation.

Literature cited by the submitters: PubMed 23807571 (cited by Labcorp Genetics (formerly Invitae), Labcorp); PubMed 25614872 (cited by Labcorp Genetics (formerly Invitae), Labcorp).

NM_000051.4(ATM):c.2912_2916del (p.Lys971fs)

Gene: ATM (ATM serine/threonine kinase; plus strand). Cytogenetic location: 11q22.3.
Variant type: Deletion.
Coding change: c.2912_2916del on transcript NM_000051.4 (MANE Select); coding-DNA positions 2912 to 2916, 5 bases deleted (AACCA; older notation c.2912_2916delAACCA).
Protein change: p.Lys971fs; shifts the reading frame from lysine 971.
Molecular consequence: frameshift variant.
Genome position (GRCh38, 1-based): chr11:108,271,137-108,271,141, AACCA deleted; deleting any 5 consecutive bases within chr11:108,271,136-108,271,141 gives the same sequence; the c. name uses the placement nearest the transcript's 3' end. VCF-style (leftmost placement, unchanged base first): chr11-108271135-GAAACC-G. GRCh37 (hg19) VCF-style: chr11-108141862-GAAACC-G.
Other names: c.2912_2916delAACCA (NM_000051.3); c.2912_2916del, p.Lys971fs (NM_001351834.2); short protein forms K971fs.
Identifiers: ClinVar variation 141321 (VCV000141321.10), dbSNP rs587781656, ClinGen allele CA165106.